The following is an entry in ClinVar:

NM_001211.6(BUB1B):c.1185G>T (p.Lys395Asn)

Gene: BUB1B (BUB1 mitotic checkpoint serine/threonine kinase B; plus strand). Cytogenetic location: 15q15.1.
Variant type: single nucleotide variant.
Coding change: c.1185G>T on transcript NM_001211.6 (MANE Select); coding-DNA position 1185, G replaced by T.
Protein change: p.Lys395Asn; replaces lysine 395 with asparagine.
Molecular consequence: missense variant.
Genome position (GRCh38, 1-based): chr15:40,196,671, G>T. VCF-style: chr15-40196671-G-T. GRCh37 (hg19) VCF-style: chr15-40488872-G-T.
Other names: short protein forms K395N.
Identifiers: ClinVar variation 4824232 (VCV004824232.1).
Genomic context (GRCh38, chr15:40,196,671, plus strand): 5'-AGGAGATCCTCTACAAAGGGTTCAGAGCCATCAGCAAGCGTCTGAGGAGAAGAAAGAGAA[G>T]ATGATGTATTGTAAGGAGAAGATTTATGCAGGAGTAGGGGAATTCTCCTTTGAAGAAATT-3'
Protein context (NP_001202.5, residues 385-405): HQQASEEKKE[Lys395Asn]MMYCKEKIYA

ClinVar aggregate classification (germline): Uncertain significance (1 of 4 stars; one submission).

Conditions:
Inborn genetic diseases. Identifiers: MedGen C0950123, MeSH D030342.

gnomAD v4.1: 1 of 1,614,066 alleles (0.000062%); highest among the groups gnomAD compares: Non-Finnish European, 0.000085%; no homozygotes.

Submission:

Ambry Genetics
Classification: Uncertain significance for Inborn genetic diseases. Last evaluated: 2026-01-18. Review status: criteria provided, single submitter. Criteria: Ambry Variant Classification Scheme 2023. Collection method: clinical testing. Allele origin: germline.
Comment: The p.K395N variant (also known as c.1185G>T), located in coding exon 9 of the BUB1B gene, results from a G to T substitution at nucleotide position 1185. The lysine at codon 395 is replaced by asparagine, an amino acid with similar properties. This amino acid position is conserved. In addition, this alteration is predicted to be tolerated by in silico analysis. Based on the available evidence, the clinical significance of this variant remains unclear.